The following is an entry in ClinVar:

NM_173495.3(PTCHD1):c.543G>C (p.Lys181Asn)

Gene: PTCHD1 (patched domain containing 1; plus strand). Cytogenetic location: Xp22.11.
Variant type: single nucleotide variant.
Coding change: c.543G>C on transcript NM_173495.3 (MANE Select); coding-DNA position 543, G replaced by C.
Protein change: p.Lys181Asn; replaces lysine 181 with asparagine.
Molecular consequence: missense variant.
Genome position (GRCh38, 1-based): chrX:23,379,782, G>C. VCF-style: chrX-23379782-G-C. GRCh37 (hg19) VCF-style: chrX-23397899-G-C.
Other names: short protein forms K181N.
Identifiers: ClinVar variation 2504889 (VCV002504889.1), dbSNP rs1175938564, ClinGen allele CA412579947.

ClinVar aggregate classification (germline): Uncertain significance (1 of 4 stars; one submission).

Submission:

GeneDx
Classification: Uncertain significance. Last evaluated: 2022-12-08. Review status: criteria provided, single submitter. Criteria: GeneDx Variant Classification Process June 2021. Collection method: clinical testing. Allele origin: germline. Affected: yes.
Comment: Not observed at significant frequency in large population cohorts (gnomAD); In silico analysis supports that this missense variant does not alter protein structure/function; Has not been previously published as pathogenic or benign to our knowledge